The following is an entry in ClinVar:

ClinVar aggregate classification (germline): Conflicting classifications of pathogenicity. Review status: criteria provided, conflicting classifications (1 of 4 stars). 3 submissions from 3 submitters: Uncertain significance (2); Likely benign (1). Last evaluated 2026-07-23.

Conditions:
ALPK3-related disorder. Also called: ALPK3-related condition.
Cardiovascular phenotype. Identifiers: MedGen CN230736.

Allele frequency attached by ClinVar (database versions not stated): ExAC 0.00003; gnomAD 0.00003 and 0.00004; TOPMed 0.00003; gnomAD exomes 0.00004 and 0.00006.
gnomAD v4.1: 87 of 1,573,834 alleles (0.0055%); highest among the groups gnomAD compares: Non-Finnish European, 0.0071%; no homozygotes.

Submissions (3):

PreventionGenetics, part of Exact Sciences
Classification: Uncertain significance for ALPK3-related condition. Last evaluated: 2026-07-23. Review status: criteria provided, single submitter. Criteria: ACMG Guidelines, 2015. Collection method: clinical testing. Allele origin: germline.
Comment: The ALPK3 c.1910A>G variant is predicted to result in the amino acid substitution p.Gln637Arg. To our knowledge, this variant has not been reported in the literature. This variant is reported in 0.0070% of alleles in individuals of European (Non-Finnish) descent in gnomAD. At this time, the clinical significance of this variant is uncertain due to the absence of conclusive functional and genetic evidence.

Labcorp Genetics (formerly Invitae), Labcorp
Classification: Uncertain significance. Last evaluated: 2026-01-13. Review status: criteria provided, single submitter. Criteria: Invitae Variant Classification Sherloc (09022015). Collection method: clinical testing. Allele origin: germline.
Comment: This sequence change replaces glutamine, which is neutral and polar, with arginine, which is basic and polar, at codon 637 of the ALPK3 protein (p.Gln637Arg). The frequency data for this variant in the population databases is considered unreliable, as metrics indicate poor data quality at this position in the gnomAD database. This variant has not been reported in the literature in individuals affected with ALPK3-related conditions. ClinVar contains an entry for this variant (Variation ID: 1404953). Invitae Evidence Modeling of protein sequence and biophysical properties (such as structural, functional, and spatial information, amino acid conservation, physicochemical variation, residue mobility, and thermodynamic stability) indicates that this missense variant is not expected to disrupt ALPK3 protein function with a negative predictive value of 80%. In summary, the available evidence is currently insufficient to determine the role of this variant in disease. Therefore, it has been classified as a Variant of Uncertain Significance.

Ambry Genetics
Classification: Likely benign for Cardiovascular phenotype. Last evaluated: 2025-04-18. Review status: criteria provided, single submitter. Criteria: Ambry Variant Classification Scheme 2023. Collection method: clinical testing. Allele origin: germline.

NM_020778.5(ALPK3):c.1304A>G (p.Gln435Arg)

Gene: ALPK3 (alpha kinase 3; plus strand). Cytogenetic location: 15q25.3.
Variant type: single nucleotide variant.
Coding change: c.1304A>G on transcript NM_020778.5 (MANE Select); coding-DNA position 1304, A replaced by G.
Protein change: p.Gln435Arg; replaces glutamine 435 with arginine.
Molecular consequence: missense variant.
Genome position (GRCh38, 1-based): chr15:84,840,583, A>G. VCF-style: chr15-84840583-A-G. GRCh37 (hg19) VCF-style: chr15-85383814-A-G.
Other names: short protein forms Q435R.
Identifiers: ClinVar variation 1404953 (VCV001404953.12), dbSNP rs754238381, ClinGen allele CA7709160.